The following is an entry in ClinVar:

NM_000465.4(BARD1):c.1903+5G>A

Gene: BARD1 (BRCA1 associated RING domain 1; minus strand). Cytogenetic location: 2q35.
Variant type: single nucleotide variant.
Coding change: c.1903+5G>A on transcript NM_000465.4 (MANE Select); 5 bases into the intron after coding-DNA position 1903, G replaced by A.
Molecular consequence: intron variant.
Genome position (GRCh38, 1-based): chr2:214,745,062, C>T on the plus strand (G>A on the coding strand, the complement: BARD1 is on the minus strand). VCF-style: chr2-214745062-C-T. GRCh37 (hg19) VCF-style: chr2-215609786-C-T.
Other names: c.493+5G>A (NM_001282548.2); c.1846+5G>A (NM_001282543.2); c.550+5G>A (NM_001282545.2); c.365-14554G>A (NM_001282549.2).
Identifiers: ClinVar variation 1359608 (VCV001359608.8), dbSNP rs2106018600, ClinGen allele CA2573135100.

ClinVar aggregate classification (germline): Uncertain significance (1 of 4 stars; one submission).
ClinVar aggregate classification (oncogenicity): Uncertain significance (1 of 4 stars; one submission).

Conditions:
Familial cancer of breast. Also called: Hereditary breast cancer; BREAST CANCER, FAMILIAL; hereditary breast carcinoma. Identifiers: Orphanet 227535, MedGen C0346153, MONDO:0016419, OMIM 114480. Disease mechanism: loss of function.
Neoplasm. Also called: Neoplasms; Neoplasm (disease); tumor. Identifiers: MedGen C0027651, MeSH D009369, MONDO:0005070, HP:0002664.

Allele frequency attached by ClinVar (database versions not stated): gnomAD exomes below 0.00001.
gnomAD v4.1: 1 of 1,612,010 alleles (0.000062%); highest among the groups gnomAD compares: Admixed American, 0.0017%; no homozygotes.

Submissions (2):

Center for Genomic Medicine, Rigshospitalet, Copenhagen University Hospital
Classification: Uncertain significance for Neoplasm. Last evaluated: 2025-12-29. Review status: criteria provided, single submitter. Criteria: ClinGen/CGC/VICC Guidelines for Oncogenicity, 2022. Collection method: clinical testing. Allele origin: somatic. Affected: yes.

Labcorp Genetics (formerly Invitae), Labcorp
Classification: Uncertain significance for Familial cancer of breast. Last evaluated: 2021-06-06. Review status: criteria provided, single submitter. Criteria: Invitae Variant Classification Sherloc (09022015). Collection method: clinical testing. Allele origin: germline.
Comment: This sequence change falls in intron 9 of the BARD1 gene. It does not directly change the encoded amino acid sequence of the BARD1 protein. It affects a nucleotide within the consensus splice site of the intron. This variant is not present in population databases (ExAC no frequency). This variant has not been reported in the literature in individuals with BARD1-related conditions. Nucleotide substitutions within the consensus splice site are a relatively common cause of aberrant splicing (PMID: 17576681, 9536098). Algorithms developed to predict the effect of sequence changes on RNA splicing suggest that this variant may disrupt the consensus splice site, but this prediction has not been confirmed by published transcriptional studies. In summary, the available evidence is currently insufficient to determine the role of this variant in disease. Therefore, it has been classified as a Variant of Uncertain Significance.

Literature cited by the submitters: PubMed 17576681 (cited by Labcorp Genetics (formerly Invitae), Labcorp); PubMed 9536098 (cited by Labcorp Genetics (formerly Invitae), Labcorp).